The following is an entry in ClinVar:

NM_000232.5(SGCB):c.669dup (p.Ala224fs)

Gene: SGCB (sarcoglycan beta; minus strand). Cytogenetic location: 4q12.
Variant type: Duplication.
Coding change: c.669dup on transcript NM_000232.5 (MANE Select); coding-DNA position 669, one base duplicated (T; older notation c.669dupT).
Protein change: p.Ala224fs; shifts the reading frame from alanine 224.
Molecular consequence: frameshift variant.
Genome position (GRCh38, 1-based): chr4:52,028,052, A duplicated on the plus strand (T on the coding strand, the reverse complement: SGCB is on the minus strand). VCF-style (leftmost placement, unchanged base first): chr4-52028051-C-CA. GRCh37 (hg19) VCF-style: chr4-52894217-C-CA.
Other names: c.459dup, p.Ala154fs (NM_001440519.1); c.372dup, p.Ala125fs (NM_001440520.1); short protein forms A125fs, A154fs, A224fs.
Identifiers: ClinVar variation 4533263 (VCV004533263.1).
Genomic context (GRCh38, chr4:52,028,051, plus strand): 5'-CCATGTGAAATTCAATGGTTTTGCCCATAATGAATACACCTTCATTTCCACGCACAATAG[C>CA]ACGCCCATCAACTTTTATATTTAAATCACTGGTAGCATTGCTGGTAATCTGAAAATTTAA-3'

ClinVar aggregate classification (germline): Likely pathogenic (1 of 4 stars; one submission).

Conditions:
Autosomal recessive limb-girdle muscular dystrophy type 2E (LGMDR4). Also called: MUSCULAR DYSTROPHY, LIMB-GIRDLE, AUTOSOMAL RECESSIVE 4. Identifiers: Orphanet 119, MedGen C1858593, MONDO:0011423, OMIM 604286. Disease mechanism: Affects gamma-sarcoglycan and also disrupts the integrity of the entire sarcoglycan complex..

Submission:

Diagnostics Services (NGS), CSIR - Centre For Cellular And Molecular Biology
Classification: Likely pathogenic for Autosomal recessive limb-girdle muscular dystrophy type 2E. Last evaluated: 2025-10-30. Review status: criteria provided, single submitter. Criteria: ACMG Guidelines, 2015. Collection method: clinical testing. Allele origin: germline. Affected: yes. Observed: 1 variant allele, 1 homozygote.
Comment: The c.669dup variant is not present in publicly available population databases like 1000 Genomes, EVS, gnomAD, Indian Exome Database or our internal database. This variant has neither been published in literature in individuals affected with SGCB-related conditions nor reported to the clinical databases like Human Genome Mutation Database (HGMD), ClinVar or OMIM, in any affected individuals. In-silico pathogenicity prediction programs like MutationTaster2021, CADD, Franklin, Varsome etc predicted this variant to be likely deleterious. This variant causes frameshift at the 223rd amino acid position of the wild-type transcript that creates a premature translational stop signal at the altered transcript that may either result in translation of a truncated protein or cause nonsense mediated decay of the mRNA.